The following is an entry in ClinVar:

NM_000883.4(IMPDH1):c.1430C>A (p.Ala477Asp)

Gene: IMPDH1 (inosine monophosphate dehydrogenase 1; minus strand). Cytogenetic location: 7q32.1.
Variant type: single nucleotide variant.
Coding change: c.1430C>A on transcript NM_000883.4 (MANE Select); coding-DNA position 1430, C replaced by A.
Protein change: p.Ala477Asp; replaces alanine 477 with aspartic acid.
Molecular consequence: missense variant.
Genome position (GRCh38, 1-based): chr7:128,395,009, G>T on the plus strand (C>A on the coding strand, the complement: IMPDH1 is on the minus strand). VCF-style: chr7-128395009-G-T. GRCh37 (hg19) VCF-style: chr7-128035063-G-T.
Other names: c.1400C>A, p.Ala467Asp (NM_001102605.2); c.1175C>A, p.Ala392Asp (NM_001142573.2); c.1160C>A, p.Ala387Asp (NM_001142574.2); c.1100C>A, p.Ala367Asp (NM_001142575.2); c.1331C>A, p.Ala444Asp (NM_001142576.2); c.1223C>A, p.Ala408Asp (NM_001304521.2); c.1322C>A, p.Ala441Asp (NM_183243.3); short protein forms A367D, A387D, A392D, A408D, A441D, A444D, A467D, A477D.
Identifiers: ClinVar variation 3898694 (VCV003898694.7).

ClinVar aggregate classification (germline): Uncertain significance (1 of 4 stars; one submission).

Submission:

CeGaT Center for Human Genetics Tuebingen
Classification: Uncertain significance. Last evaluated: 2025-04-01. Review status: criteria provided, single submitter. Criteria: CeGaT Center For Human Genetics Tuebingen Variant Classification Criteria Version 2. Collection method: clinical testing. Allele origin: germline. Affected: yes. Observed: 1 variant allele.
Comment: IMPDH1: PM2, PP3